The following is an entry in ClinVar:

ClinVar aggregate classification (germline): Likely benign (1 of 4 stars; one submission).

Conditions:
DLG4-related disorder. Also called: DLG4-related condition.

gnomAD v4.1: 21 of 1,566,420 alleles (0.0013%); highest among the groups gnomAD compares: Non-Finnish European, 0.0016%; no homozygotes.

Submission:

PreventionGenetics, part of Exact Sciences
Classification: Likely benign for DLG4-related condition. Last evaluated: 2024-11-27. Review status: criteria provided, single submitter. Criteria: ACMG Guidelines, 2015. Collection method: clinical testing. Allele origin: germline.
Comment: This variant is classified as likely benign based on ACMG/AMP sequence variant interpretation guidelines (Richards et al. 2015 PMID: 25741868, with internal and published modifications).

NM_001365.5(DLG4):c.58C>T (p.Leu20=)

Genes: ACADVL (acyl-CoA dehydrogenase very long chain; plus strand), DLG4 (discs large MAGUK scaffold protein 4; minus strand). Cytogenetic location: 17p13.1.
Variant type: single nucleotide variant.
Coding change: c.58C>T on transcript NM_001365.5 (MANE Plus Clinical); coding-DNA position 58, C replaced by T.
Protein change: p.Leu20=; no amino-acid change (leucine 20 retained).
Molecular consequence: synonymous variant. On other transcripts: non-coding transcript variant (1), intron variant (1).
Genome position (GRCh38, 1-based): chr17:7,218,601, G>A on the plus strand (C>T on the coding strand, the complement: DLG4 is on the minus strand). VCF-style: chr17-7218601-G-A. GRCh37 (hg19) VCF-style: chr17-7121920-G-A.
Other names: c.58C>T, p.Leu20= (NM_001321074.1); c.131+783G>A (NM_001270447.2).
Identifiers: ClinVar variation 4989397 (VCV004989397.1).